The following is an entry in ClinVar:

NM_001466.4(FZD2):c.598C>T (p.His200Tyr)

Gene: FZD2 (frizzled class receptor 2; plus strand). Cytogenetic location: 17q21.31.
Variant type: single nucleotide variant.
Coding change: c.598C>T on transcript NM_001466.4 (MANE Select); coding-DNA position 598, C replaced by T.
Protein change: p.His200Tyr; replaces histidine 200 with tyrosine.
Molecular consequence: missense variant.
Genome position (GRCh38, 1-based): chr17:44,558,286, C>T. VCF-style: chr17-44558286-C-T. GRCh37 (hg19) VCF-style: chr17-42635654-C-T.
Other names: short protein forms H200Y.
Identifiers: ClinVar variation 2856341 (VCV002856341.3), dbSNP rs2544583989, ClinGen allele CA399793269.
Genomic context (GRCh38, chr17:44,558,286, plus strand): 5'-CCGGGTGGCCCGGGCGGCGGCGGCGCTCCCCCGCGCTACGCCACGCTGGAGCACCCCTTC[C>T]ACTGCCCGCGCGTCCTCAAGGTGCCATCCTATCTCAGCTACAAGTTTCTGGGCGAGCGTG-3'
Protein context (NP_001457.1, residues 190-210): PRYATLEHPF[His200Tyr]CPRVLKVPSY

ClinVar aggregate classification (germline): Uncertain significance (1 of 4 stars; one submission).

Submission:

Labcorp Genetics (formerly Invitae), Labcorp
Classification: Uncertain significance. Last evaluated: 2023-11-13. Review status: criteria provided, single submitter. Criteria: Invitae Variant Classification Sherloc (09022015). Collection method: clinical testing. Allele origin: germline.
Comment: This sequence change replaces histidine, which is basic and polar, with tyrosine, which is neutral and polar, at codon 200 of the FZD2 protein (p.His200Tyr). This variant is not present in population databases (gnomAD no frequency). This variant has not been reported in the literature in individuals affected with FZD2-related conditions. Advanced modeling of protein sequence and biophysical properties (such as structural, functional, and spatial information, amino acid conservation, physicochemical variation, residue mobility, and thermodynamic stability) performed at Invitae indicates that this missense variant is not expected to disrupt FZD2 protein function with a negative predictive value of 80%. In summary, the available evidence is currently insufficient to determine the role of this variant in disease. Therefore, it has been classified as a Variant of Uncertain Significance.